The following is an entry in ClinVar:

NM_000059.4(BRCA2):c.10080A>G (p.Lys3360=)

Gene: BRCA2 (BRCA2 DNA repair associated; plus strand). Cytogenetic location: 13q13.1.
Variant type: single nucleotide variant.
Coding change: c.10080A>G on transcript NM_000059.4 (MANE Select); coding-DNA position 10080, A replaced by G.
Protein change: p.Lys3360=; no amino-acid change (lysine 3360 retained).
Molecular consequence: synonymous variant.
Genome position (GRCh38, 1-based): chr13:32,398,593, A>G. VCF-style: chr13-32398593-A-G. GRCh37 (hg19) VCF-style: chr13-32972730-A-G.
Identifiers: ClinVar variation 184484 (VCV000184484.15), dbSNP rs786201493, ClinGen allele CA010167.

ClinVar aggregate classification (germline): Likely benign. Review status: reviewed by expert panel (3 of 4 stars). 3 submissions from 3 submitters: Likely benign (1). 2 of the submissions do not count toward it. Last evaluated 2017-06-29.

Conditions:
Hereditary cancer-predisposing syndrome. Also called: Tumor predisposition; Hereditary Cancer Syndrome; Hereditary neoplastic syndrome; Neoplastic Syndromes, Hereditary. Identifiers: Orphanet 140162, MedGen C0027672, MeSH D009386, MONDO:0015356.
Hereditary breast ovarian cancer syndrome. Also called: Breast and ovarian cancer; Hereditary breast and ovarian cancer syndrome; Hereditary breast and ovarian cancer; BRCA1- and BRCA2-Associated Hereditary Breast and Ovarian Cancer; Hereditary breast and ovarian cancer syndrome (HBOC); Hereditary breast and/or ovarian cancer syndrome. Identifiers: Orphanet 145, MedGen C0677776, MeSH D061325, MONDO:0003582. Disease mechanism: loss of function.
Breast-ovarian cancer, familial, susceptibility to, 2 (BROVCA2). Also called: BRCA2 Hereditary Breast and Ovarian Cancer. Identifiers: Orphanet 145, MedGen C2675520, MONDO:0012933, OMIM 612555. Disease mechanism: loss of function.

Allele frequency attached by ClinVar (database versions not stated): gnomAD exomes below 0.00001.
gnomAD v4.1: 1 of 1,614,138 alleles (0.000062%); highest among the groups gnomAD compares: Non-Finnish European, 0.000085%; no homozygotes.

Submissions (3):

Evidence-based Network for the Interpretation of Germline Mutant Alleles (ENIGMA)
Classification: Likely benign for Breast-ovarian cancer, familial, susceptibility to, 2. Last evaluated: 2017-06-29. Review status: reviewed by expert panel. Criteria: ENIGMA BRCA1/2 Classification Criteria (2017-06-29). Collection method: curation. Allele origin: germline.
Comment: Synonymous substitution variant, with low bioinformatic likelihood to result in a splicing aberration (Splicing prior probability 0.02).

Ambry Genetics
Classification: Likely benign for Hereditary cancer-predisposing syndrome. Last evaluated: 2023-05-09. Review status: criteria provided, single submitter. Criteria: Ambry Variant Classification Scheme 2023. Collection method: clinical testing. Allele origin: germline. Not counted in ClinVar's aggregate classification.

Labcorp Genetics (formerly Invitae), Labcorp
Classification: Likely benign for Hereditary breast ovarian cancer syndrome. Last evaluated: 2023-04-22. Review status: criteria provided, single submitter. Criteria: Invitae Variant Classification Sherloc (09022015). Collection method: clinical testing. Allele origin: germline. Not counted in ClinVar's aggregate classification.